The following is an entry in ClinVar:

NM_000384.3(APOB):c.12308A>G (p.Lys4103Arg)

Gene: APOB (apolipoprotein B; minus strand). Cytogenetic location: 2p24.1.
Variant type: single nucleotide variant.
Coding change: c.12308A>G on transcript NM_000384.3 (MANE Select); coding-DNA position 12308, A replaced by G.
Protein change: p.Lys4103Arg; replaces lysine 4103 with arginine.
Molecular consequence: missense variant.
Genome position (GRCh38, 1-based): chr2:21,003,114, T>C on the plus strand (A>G on the coding strand, the complement: APOB is on the minus strand). VCF-style: chr2-21003114-T-C. GRCh37 (hg19) VCF-style: chr2-21225986-T-C.
Other names: short protein forms K4103R.
Identifiers: ClinVar variation 921923 (VCV000921923.6), dbSNP rs1663037607, ClinGen allele CA345971662.
Genomic context (GRCh38, chr2:21,003,114, plus strand): 5'-ATTTGCCTAATGGCCCCTTGATAAACCCACTCAGCATTGTTCTGCAGATTTCTTCTCAGC[T>C]TTGAAGACACTTCTCTCAGGGTGAGCCCTGTGTGTTCCCAGTGGTACTTGTTGACATAAT-3'
Protein context (NP_000375.3, residues 4093-4113): TGLTLREVSS[Lys4103Arg]LRRNLQNNAE

ClinVar aggregate classification (germline): Uncertain significance (1 of 4 stars; one submission).

Conditions:
Cardiovascular phenotype. Identifiers: MedGen CN230736.

Allele frequency attached by ClinVar (database versions not stated): gnomAD exomes 0.00001.
gnomAD v4.1: 7 of 1,604,132 alleles (0.00044%); highest among the groups gnomAD compares: Non-Finnish European, 0.00051%; no homozygotes.

Submission:

Ambry Genetics
Classification: Uncertain significance for Cardiovascular phenotype. Last evaluated: 2024-04-11. Review status: criteria provided, single submitter. Criteria: Ambry Variant Classification Scheme 2023. Collection method: clinical testing. Allele origin: germline.
Comment: The p.K4103R variant (also known as c.12308A>G), located in coding exon 29 of the APOB gene, results from an A to G substitution at nucleotide position 12308. The lysine at codon 4103 is replaced by arginine, an amino acid with highly similar properties. This amino acid position is conserved. In addition, this alteration is predicted to be tolerated by in silico analysis. Since supporting evidence is limited at this time, the clinical significance of this alteration remains unclear.